The following is an entry in ClinVar:

ClinVar aggregate classification (germline): Uncertain significance (1 of 4 stars; one submission).

Submission:

GeneDx
Classification: Uncertain significance. Last evaluated: 2024-02-14. Review status: criteria provided, single submitter. Criteria: GeneDx Variant Classification Process June 2021. Collection method: clinical testing. Allele origin: germline. Affected: yes.
Comment: Not observed at significant frequency in large population cohorts (gnomAD); Frameshift variant predicted to result in protein truncation or nonsense mediated decay in a gene for which loss-of-function is not an established mechanism of disease; Has not been previously published as pathogenic or benign to our knowledge

NM_005157.6(ABL1):c.924_964del (p.Phe311fs)

Gene: ABL1 (ABL proto-oncogene 1, non-receptor tyrosine kinase; plus strand). Cytogenetic location: 9q34.12.
Variant type: Deletion.
Coding change: c.924_964del on transcript NM_005157.6 (MANE Select); coding-DNA positions 924 to 964, 41 bases deleted.
Protein change: p.Phe311fs; shifts the reading frame from phenylalanine 311.
Molecular consequence: frameshift variant.
Genome position (GRCh38, 1-based): chr9:130,872,876-130,872,916, 41 bases deleted; deleting any 41 consecutive bases within chr9:130,872,871-130,872,916 gives the same sequence; the c. name uses the placement nearest the transcript's 3' end. GRCh37 (hg19): chr9:133,748,263-133,748,303.
Other names: c.981_1021del, p.Phe330fs (NM_007313.3); short protein forms F311fs, F330fs.
Identifiers: ClinVar variation 3368744 (VCV003368744.1).